The following is an entry in ClinVar:

NM_183050.4(BCKDHB):c.304G>T (p.Gly102Ter)

Gene: BCKDHB (branched chain keto acid dehydrogenase E1 subunit beta; plus strand). Cytogenetic location: 6q14.1.
Variant type: single nucleotide variant.
Coding change: c.304G>T on transcript NM_183050.4 (MANE Select); coding-DNA position 304, G replaced by T.
Protein change: p.Gly102Ter; replaces glycine 102 with a stop codon.
Molecular consequence: nonsense. On other transcripts: non-coding transcript variant (6).
Genome position (GRCh38, 1-based): chr6:80,129,190, G>T. VCF-style: chr6-80129190-G-T. GRCh37 (hg19) VCF-style: chr6-80838907-G-T.
Other names: c.304G>T, p.Gly102Ter (NM_000056.5, NM_001424035.1, NM_001424036.1 and 8 more transcripts); c.94G>T, p.Gly32Ter (NM_001318975.1, NM_001424043.1); short protein forms G102*, G32*.
Identifiers: ClinVar variation 4063835 (VCV004063835.2).

ClinVar aggregate classification (germline): Likely pathogenic (1 of 4 stars; one submission).

Conditions:
Maple syrup urine disease type 1B (MSUD1B). Also called: MSUD type IB; MSUD type 3 (formerly); MSUD due to deficiency of e1-beta subunit of branched-chain alpha-keto acid dehydrogenase complex. Identifiers: MedGen C2930990, MONDO:0023692, OMIM 620698.

Submission:

Natera, Inc.
Classification: Likely pathogenic for Maple syrup urine disease type 1B. Last evaluated: 2025-01-27. Review status: criteria provided, single submitter. Criteria: Natera Variant Classification Schema (03/2026). Collection method: clinical testing. Allele origin: germline.
Comment: The c.304G>T variant in BCKDHB is a nonsense variant predicted to introduce a stop codon at amino acid 102. This variant is expected to result in nonsense mediated decay, truncation, or a dysfunctional protein product. This variant is rare in the general population with a frequency below the threshold expected for the associated phenotype(s). Given the available evidence, this variant is classified as Likely Pathogenic.